The following is an entry in ClinVar:

ClinVar aggregate classification (germline): Uncertain significance (1 of 4 stars; one submission).

Conditions:
Hereditary cancer-predisposing syndrome. Also called: Hereditary Cancer Syndrome; Hereditary neoplastic syndrome; Neoplastic Syndromes, Hereditary; Tumor predisposition. Identifiers: Orphanet 140162, MedGen C0027672, MeSH D009386, MONDO:0015356.

Allele frequency attached by ClinVar (database versions not stated): gnomAD 0.00001; TOPMed 0.00001.
gnomAD v4.1: 1 of 1,608,428 alleles (0.000062%); highest among the groups gnomAD compares: African/African-American, 0.0013%; no homozygotes.

Submission:

Sema4
Classification: Uncertain significance for Hereditary cancer-predisposing syndrome. Last evaluated: 2021-11-22. Review status: criteria provided, single submitter. Criteria: Sema4 Curation Guidelines. Collection method: curation. Allele origin: germline.
Comment: The PALB2 c.3105T>G (p.I1035M) variant has not been reported in the literature to our knowledge. It was not observed in the large and broad cohorts of the Genome Aggregation Database (PMID: 32461654). This variant has not been reported in ClinVar. Functional studies have not been performed, and in silico predictions of the variant's effect on protein function are inconclusive. The evidence is insufficient to meet ACMG/AMP criteria for classifying the variant as benign or pathogenic. Thus, the clinical significance of this variant is currently uncertain.

NM_024675.4(PALB2):c.3105T>G (p.Ile1035Met)

Gene: PALB2 (partner and localizer of BRCA2; minus strand). Cytogenetic location: 16p12.2.
Variant type: single nucleotide variant.
Coding change: c.3105T>G on transcript NM_024675.4 (MANE Select); coding-DNA position 3105, T replaced by G.
Protein change: p.Ile1035Met; replaces isoleucine 1035 with methionine.
Molecular consequence: missense variant.
Genome position (GRCh38, 1-based): chr16:23,621,370, A>C on the plus strand (T>G on the coding strand, the complement: PALB2 is on the minus strand). VCF-style: chr16-23621370-A-C. GRCh37 (hg19) VCF-style: chr16-23632691-A-C.
Other names: short protein forms I1035M.
Identifiers: ClinVar variation 1691950 (VCV001691950.1), dbSNP rs1251984558, ClinGen allele CA395142794.